The following is an entry in ClinVar:

ClinVar aggregate classification (germline): Uncertain significance. Review status: criteria provided, multiple submitters, no conflicts (2 of 4 stars). 2 submissions from 2 submitters: Uncertain significance (2). Last evaluated 2025-07-21.

Conditions:
Inborn genetic diseases. Identifiers: MedGen C0950123, MeSH D030342.
Fanconi anemia (FA). Also called: Fanconi's anemia. Identifiers: Orphanet 84, MedGen C0015625, MeSH D005199, MONDO:0019391.

Allele frequency attached by ClinVar (database versions not stated): TOPMed below 0.00001; ExAC 0.00002.
gnomAD v4.1: 8 of 1,614,126 alleles (0.0005%); highest among the groups gnomAD compares: South Asian, 0.0077%; no homozygotes.

Submissions (2):

Labcorp Genetics (formerly Invitae), Labcorp
Classification: Uncertain significance for Fanconi anemia. Last evaluated: 2025-07-21. Review status: criteria provided, single submitter. Criteria: Invitae Variant Classification Sherloc (09022015). Collection method: clinical testing. Allele origin: germline.
Comment: This sequence change replaces glutamine, which is neutral and polar, with glutamic acid, which is acidic and polar, at codon 1096 of the FANCA protein (p.Gln1096Glu). This variant is present in population databases (rs775799529, gnomAD 0.006%). This variant has not been reported in the literature in individuals affected with FANCA-related conditions. ClinVar contains an entry for this variant (Variation ID: 2156739). Invitae Evidence Modeling of protein sequence and biophysical properties (such as structural, functional, and spatial information, amino acid conservation, physicochemical variation, residue mobility, and thermodynamic stability) indicates that this missense variant is not expected to disrupt FANCA protein function with a negative predictive value of 95%. In summary, the available evidence is currently insufficient to determine the role of this variant in disease. Therefore, it has been classified as a Variant of Uncertain Significance.

Ambry Genetics
Classification: Uncertain significance for Inborn genetic diseases. Last evaluated: 2025-06-21. Review status: criteria provided, single submitter. Criteria: Ambry Variant Classification Scheme 2023. Collection method: clinical testing. Allele origin: germline.
Comment: The p.Q1096E variant (also known as c.3286C>G), located in coding exon 33 of the FANCA gene, results from a C to G substitution at nucleotide position 3286. The glutamine at codon 1096 is replaced by glutamic acid, an amino acid with highly similar properties. This amino acid position is conserved. In addition, this alteration is predicted to be tolerated by in silico analysis. Based on the available evidence, the clinical significance of this variant remains unclear.

NM_000135.4(FANCA):c.3286C>G (p.Gln1096Glu)

Gene: FANCA (FA complementation group A; minus strand). Cytogenetic location: 16q24.3.
Variant type: single nucleotide variant.
Coding change: c.3286C>G on transcript NM_000135.4 (MANE Select); coding-DNA position 3286, C replaced by G.
Protein change: p.Gln1096Glu; replaces glutamine 1096 with glutamic acid.
Molecular consequence: missense variant.
Genome position (GRCh38, 1-based): chr16:89,748,721, G>C on the plus strand (C>G on the coding strand, the complement: FANCA is on the minus strand). VCF-style: chr16-89748721-G-C. GRCh37 (hg19) VCF-style: chr16-89815129-G-C.
Other names: c.3286C>G, p.Gln1096Glu (NM_001286167.3); short protein forms Q1096E.
Identifiers: ClinVar variation 2156739 (VCV002156739.3), dbSNP rs775799529, ClinGen allele CA8251242.
Genomic context (GRCh38, chr16:89,748,721, plus strand): 5'-TCTCAGAGTTGACCAAGTGGAAGAACTGCTCGCATCTGGCAGTGATGGGCTGTTCTGCCT[G>C]GAAGCTGCTGCCGCAGAGGACAGACGAAGGCAGGCGGAGGAGGATCCTGGAAAGAAGGGG-3'
Protein context (NP_000126.2, residues 1086-1106): PSSVLCGSSF[Gln1096Glu]AEQPITARCE